The following is an entry in ClinVar:

NM_144691.4(CAPN12):c.1876C>T (p.Gln626Ter)

Gene: CAPN12 (calpain 12; minus strand). Cytogenetic location: 19q13.2.
Variant type: single nucleotide variant.
Coding change: c.1876C>T on transcript NM_144691.4 (MANE Select); coding-DNA position 1876, C replaced by T.
Protein change: p.Gln626Ter; replaces glutamine 626 with a stop codon.
Molecular consequence: nonsense.
Genome position (GRCh38, 1-based): chr19:38,734,144, G>A on the plus strand (C>T on the coding strand, the complement: CAPN12 is on the minus strand). VCF-style: chr19-38734144-G-A. GRCh37 (hg19) VCF-style: chr19-39224784-G-A.
Other names: short protein forms Q626*.
Identifiers: ClinVar variation 2629671 (VCV002629671.1), dbSNP rs1344360343, ClinGen allele CA405709632.

ClinVar aggregate classification (germline): Uncertain significance (1 of 4 stars; one submission).

Conditions:
CAPN12-related disorder. Also called: CAPN12-related condition.

Allele frequency attached by ClinVar (database versions not stated): TOPMed below 0.00001; gnomAD 0.00001.
gnomAD v4.1: 3 of 1,612,674 alleles (0.00019%); highest among the groups gnomAD compares: Non-Finnish European, 0.00025%; no homozygotes.

Submission:

PreventionGenetics, part of Exact Sciences
Classification: Uncertain significance for CAPN12-related condition. Last evaluated: 2022-12-20. Review status: criteria provided, single submitter. Criteria: ACMG Guidelines, 2015. Collection method: clinical testing. Allele origin: germline.
Comment: The CAPN12 c.1876C>T variant is predicted to result in premature protein termination (p.Gln626*). To our knowledge, this variant has not been reported in the literature or in a large population database, indicating this variant is rare. Loss of function is not an established mechanism of CAPN12-related disease. At this time, the clinical significance of this variant is uncertain due to the absence of conclusive functional and genetic evidence.